The following is an entry in ClinVar:

NM_001013703.4(EIF2AK4):c.2766+71A>G

Gene: EIF2AK4 (eukaryotic translation initiation factor 2 alpha kinase 4; plus strand). Cytogenetic location: 15q15.1.
Variant type: single nucleotide variant.
Coding change: c.2766+71A>G on transcript NM_001013703.4 (MANE Select); 71 bases into the intron after coding-DNA position 2766, A replaced by G.
Molecular consequence: intron variant.
Genome position (GRCh38, 1-based): chr15:39,992,919, A>G. VCF-style: chr15-39992919-A-G. GRCh37 (hg19) VCF-style: chr15-40285120-A-G.
Identifiers: ClinVar variation 674669 (VCV000674669.2), dbSNP rs11633992, ClinGen allele CA268755093.

ClinVar aggregate classification (germline): Benign. Review status: criteria provided, multiple submitters, no conflicts (2 of 4 stars). 2 submissions from 2 submitters: Benign (2). Last evaluated 2018-06-14.

Allele frequency attached by ClinVar (database versions not stated): 1000 Genomes Project 30x 0.69925; 1000 Genomes Project 0.70108; TOPMed 0.79060; gnomAD 0.81763 and 0.81800.
gnomAD v4.1: 1,361,085 of 1,469,600 alleles (93%); highest among the groups gnomAD compares: Non-Finnish European, 98%; 640,953 homozygotes.

Submissions (2):

GeneDx
Classification: Benign. Last evaluated: 2018-06-14. Review status: criteria provided, single submitter. Criteria: GeneDx Variant Classification (06012015). Collection method: clinical testing. Allele origin: germline. Affected: yes.
Comment: This variant is considered likely benign or benign based on one or more of the following criteria: it is a conservative change, it occurs at a poorly conserved position in the protein, it is predicted to be benign by multiple in silico algorithms, and/or has population frequency not consistent with disease.

Breakthrough Genomics
Classification: Benign. Review status: criteria provided, single submitter. Criteria: ACMG Guidelines, 2015. Collection method: not provided. Allele origin: germline. Inheritance: Autosomal recessive inheritance. Affected: yes.